The following is an entry in ClinVar:

NM_002224.4(ITPR3):c.6375+9G>A

Gene: ITPR3 (inositol 1,4,5-trisphosphate receptor type 3; plus strand). Cytogenetic location: 6p21.31.
Variant type: single nucleotide variant.
Coding change: c.6375+9G>A on transcript NM_002224.4 (MANE Select); 9 bases into the intron after coding-DNA position 6375, G replaced by A.
Molecular consequence: intron variant.
Genome position (GRCh38, 1-based): chr6:33,688,176, G>A. VCF-style: chr6-33688176-G-A. GRCh37 (hg19) VCF-style: chr6-33655953-G-A.
Identifiers: ClinVar variation 3044679 (VCV003044679.2), dbSNP rs149533315, ClinGen allele CA3761868.
Genomic context (GRCh38, chr6:33,688,176, plus strand): 5'-GGAGGAGGAAGACCCCCTGGCCTACTATGAGAACCACACGTCCCAGATCGAGGTGGGCCT[G>A]TGGGCAGCAGGGGCGGGCGTGGGAGCCTGCGCCGGGCGTGACCATGTGCTGTGTGTGCTC-3'

ClinVar aggregate classification (germline): Likely benign (0 of 4 stars; one submission).

Conditions:
ITPR3-related disorder. Also called: ITPR3-related condition.

Allele frequency attached by ClinVar (database versions not stated): gnomAD 0.00001; TOPMed 0.00001; ExAC 0.00003; 1000 Genomes Project 30x 0.00016; 1000 Genomes Project 0.00020.
gnomAD v4.1: 23 of 1,614,052 alleles (0.0014%); highest among the groups gnomAD compares: Middle Eastern, 0.033%; no homozygotes.

Submission:

PreventionGenetics, part of Exact Sciences
Classification: Likely benign for ITPR3-related condition. Last evaluated: 2019-07-02. Review status: no assertion criteria provided. Collection method: clinical testing. Allele origin: germline.
Comment: This variant is classified as likely benign based on ACMG/AMP sequence variant interpretation guidelines (Richards et al. 2015 PMID: 25741868, with internal and published modifications).